The following is an entry in ClinVar:

NM_001018113.3(FANCB):c.2206A>G (p.Arg736Gly)

Gene: FANCB (FA complementation group B; minus strand). Cytogenetic location: Xp22.2.
Variant type: single nucleotide variant.
Coding change: c.2206A>G on transcript NM_001018113.3 (MANE Select); coding-DNA position 2206, A replaced by G.
Protein change: p.Arg736Gly; replaces arginine 736 with glycine.
Molecular consequence: missense variant.
Genome position (GRCh38, 1-based): chrX:14,843,941, T>C on the plus strand (A>G on the coding strand, the complement: FANCB is on the minus strand). VCF-style: chrX-14843941-T-C. GRCh37 (hg19) VCF-style: chrX-14862063-T-C.
Other names: c.2206A>G, p.Arg736Gly (NM_001324162.2, NM_001410764.1, NM_152633.4); short protein forms R736G.
Identifiers: ClinVar variation 3017528 (VCV003017528.3), dbSNP rs2518947486, ClinGen allele CA412437930.
Genomic context (GRCh38, chrX:14,843,941, plus strand): 5'-TTAGGAAATTCTCACTTCCTGATTTTAGATTTTTGAGGAAACAGTTTATAGGGAGAATTC[T>C]GATGAGATTATGAAGGCACTGGAACATAACTGTTTGATTCCTAAAATAAAAAAACAAACA-3'
Protein context (NP_001018123.1, residues 726-746): VMFQCLHNLI[Arg736Gly]ILPINCFLKN

ClinVar aggregate classification (germline): Uncertain significance (1 of 4 stars; one submission).

Conditions:
Fanconi anemia (FA). Also called: Fanconi's anemia. Identifiers: Orphanet 84, MedGen C0015625, MeSH D005199, MONDO:0019391.

Submission:

Labcorp Genetics (formerly Invitae), Labcorp
Classification: Uncertain significance for Fanconi anemia. Last evaluated: 2023-03-20. Review status: criteria provided, single submitter. Criteria: Invitae Variant Classification Sherloc (09022015). Collection method: clinical testing. Allele origin: germline.
Comment: This variant is not present in population databases (gnomAD no frequency). In summary, the available evidence is currently insufficient to determine the role of this variant in disease. Therefore, it has been classified as a Variant of Uncertain Significance. Advanced modeling of protein sequence and biophysical properties (such as structural, functional, and spatial information, amino acid conservation, physicochemical variation, residue mobility, and thermodynamic stability) performed at Invitae indicates that this missense variant is not expected to disrupt FANCB protein function. This variant has not been reported in the literature in individuals affected with FANCB-related conditions. This sequence change replaces arginine, which is basic and polar, with glycine, which is neutral and non-polar, at codon 736 of the FANCB protein (p.Arg736Gly).